The following is an entry in ClinVar:

NM_001540.5(HSPB1):c.368A>T (p.Lys123Met)

Gene: HSPB1 (heat shock protein family B (small) member 1; plus strand). Cytogenetic location: 7q11.23.
Variant type: single nucleotide variant.
Coding change: c.368A>T on transcript NM_001540.5 (MANE Select); coding-DNA position 368, A replaced by T.
Protein change: p.Lys123Met; replaces lysine 123 with methionine.
Molecular consequence: missense variant.
Genome position (GRCh38, 1-based): chr7:76,303,805, A>T. VCF-style: chr7-76303805-A-T. GRCh37 (hg19) VCF-style: chr7-75933122-A-T.
Other names: short protein forms K123M.
Identifiers: ClinVar variation 3726926 (VCV003726926.2).

ClinVar aggregate classification (germline): Uncertain significance (1 of 4 stars; one submission).

Conditions:
Charcot-Marie-Tooth disease axonal type 2F (CMT2F). Also called: Charcot-Marie-Tooth Neuropathy Type 2F; CHARCOT-MARIE-TOOTH DISEASE, NEURONAL, TYPE 2F. Identifiers: Orphanet 99940, MedGen C1847823, MONDO:0011687, OMIM 606595.

gnomAD v4.1: 1 of 1,604,056 alleles (0.000062%); highest among the groups gnomAD compares: Admixed American, 0.0017%; no homozygotes.

Submission:

Labcorp Genetics (formerly Invitae), Labcorp
Classification: Uncertain significance for Charcot-Marie-Tooth disease axonal type 2F. Last evaluated: 2024-06-03. Review status: criteria provided, single submitter. Criteria: Invitae Variant Classification Sherloc (09022015). Collection method: clinical testing. Allele origin: germline.
Comment: This sequence change replaces lysine, which is basic and polar, with methionine, which is neutral and non-polar, at codon 123 of the HSPB1 protein (p.Lys123Met). This variant is not present in population databases (gnomAD no frequency). This variant has not been reported in the literature in individuals affected with HSPB1-related conditions. Advanced modeling of protein sequence and biophysical properties (such as structural, functional, and spatial information, amino acid conservation, physicochemical variation, residue mobility, and thermodynamic stability) performed at Invitae indicates that this missense variant is expected to disrupt HSPB1 protein function with a positive predictive value of 95%. In summary, the available evidence is currently insufficient to determine the role of this variant in disease. Therefore, it has been classified as a Variant of Uncertain Significance.